The following is an entry in ClinVar:

NM_020921.4(NIN):c.3312G>A (p.Met1104Ile)

Gene: NIN (ninein; minus strand). Cytogenetic location: 14q22.1.
Variant type: single nucleotide variant.
Coding change: c.3312G>A on transcript NM_020921.4 (MANE Select); coding-DNA position 3312, G replaced by A.
Protein change: p.Met1104Ile; replaces methionine 1104 with isoleucine.
Molecular consequence: missense variant. On other transcripts: intron variant (1).
Genome position (GRCh38, 1-based): chr14:50,757,718, C>T on the plus strand (G>A on the coding strand, the complement: NIN is on the minus strand). VCF-style: chr14-50757718-C-T. GRCh37 (hg19) VCF-style: chr14-51224436-C-T.
Other names: c.3312G>A, p.Met1104Ile (NM_182944.3, NM_182946.2); c.2399+2139G>A (NM_016350.5); short protein forms M1104I.
Identifiers: ClinVar variation 1917884 (VCV001917884.5), dbSNP rs1230851037, ClinGen allele CA389698007.
Genomic context (GRCh38, chr14:50,757,718, plus strand): 5'-CTCTGTTTGTTCCGCAGTATTTCCAAAAAACTCAGTAGCTGGCTCATCCAAACAAGAAGA[C>T]ATTACTAACCCTGGCTCTAACTTTTGTAGCCTCTGTTGCAATCTAGAAATTTCAGTAGCC-3'
Protein context (NP_065972.4, residues 1094-1114): RLQKLEPGLV[Met1104Ile]SSCLDEPATE

ClinVar aggregate classification (germline): Uncertain significance (1 of 4 stars; one submission).

Allele frequency attached by ClinVar (database versions not stated): gnomAD exomes 0.00001; TOPMed 0.00006; gnomAD 0.00007.

Submission:

Labcorp Genetics (formerly Invitae), Labcorp
Classification: Uncertain significance. Last evaluated: 2023-08-04. Review status: criteria provided, single submitter. Criteria: Invitae Variant Classification Sherloc (09022015). Collection method: clinical testing. Allele origin: germline.
Comment: Algorithms developed to predict the effect of missense changes on protein structure and function output the following: SIFT: "Not Available"; PolyPhen-2: "Benign"; Align-GVGD: "Not Available". The isoleucine amino acid residue is found in multiple mammalian species, which suggests that this missense change does not adversely affect protein function. This variant has not been reported in the literature in individuals affected with NIN-related conditions. This variant is present in population databases (no rsID available, gnomAD 0.01%). This sequence change replaces methionine, which is neutral and non-polar, with isoleucine, which is neutral and non-polar, at codon 1104 of the NIN protein (p.Met1104Ile). In summary, the available evidence is currently insufficient to determine the role of this variant in disease. Therefore, it has been classified as a Variant of Uncertain Significance.